The following is an entry in ClinVar:

NM_002907.4(RECQL):c.155A>G (p.Asp52Gly)

Gene: RECQL (RecQ like helicase; minus strand). Cytogenetic location: 12p12.1.
Variant type: single nucleotide variant.
Coding change: c.155A>G on transcript NM_002907.4 (MANE Select); coding-DNA position 155, A replaced by G.
Protein change: p.Asp52Gly; replaces aspartic acid 52 with glycine.
Molecular consequence: missense variant.
Genome position (GRCh38, 1-based): chr12:21,491,578, T>C on the plus strand (A>G on the coding strand, the complement: RECQL is on the minus strand). VCF-style: chr12-21491578-T-C. GRCh37 (hg19) VCF-style: chr12-21644512-T-C.
Other names: c.155A>G, p.Asp52Gly (NM_032941.3); short protein forms D52G.
Identifiers: ClinVar variation 2837672 (VCV002837672.3), dbSNP rs2540404811, ClinGen allele CA384134356.

ClinVar aggregate classification (germline): Uncertain significance (1 of 4 stars; one submission).

Submission:

Labcorp Genetics (formerly Invitae), Labcorp
Classification: Uncertain significance. Last evaluated: 2024-04-04. Review status: criteria provided, single submitter. Criteria: Invitae Variant Classification Sherloc (09022015). Collection method: clinical testing. Allele origin: germline.
Comment: This sequence change replaces aspartic acid, which is acidic and polar, with glycine, which is neutral and non-polar, at codon 52 of the RECQL protein (p.Asp52Gly). This variant is not present in population databases (gnomAD no frequency). This variant has not been reported in the literature in individuals affected with RECQL-related conditions. Algorithms developed to predict the effect of missense changes on protein structure and function output the following: SIFT: "Not Available"; PolyPhen-2: "Benign"; Align-GVGD: "Not Available". The glycine amino acid residue is found in multiple mammalian species, which suggests that this missense change does not adversely affect protein function. Algorithms developed to predict the effect of sequence changes on RNA splicing suggest that this variant may disrupt the consensus splice site. In summary, the available evidence is currently insufficient to determine the role of this variant in disease. Therefore, it has been classified as a Variant of Uncertain Significance.